The following is an entry in ClinVar:

ClinVar aggregate classification (germline): Uncertain significance. Review status: criteria provided, multiple submitters, no conflicts (2 of 4 stars). 6 submissions from 6 submitters: Uncertain significance (5). 1 of the submissions does not count toward it. Last evaluated 2025-12-19.

Conditions:
Familial thoracic aortic aneurysm and aortic dissection (TAAD). Also called: Thoracic aortic aneurysms and dissections. Identifiers: Orphanet 91387, MedGen C4707243, MONDO:0019625.
Classic homocystinuria. Also called: Homocystinuria due to CBS deficiency; Cystathionine beta-synthase deficiency; CBS deficiency; HOMOCYSTINURIA WITH OR WITHOUT RESPONSE TO PYRIDOXINE; Homocystinuria due to Cystathionine Beta-Synthase Deficiency. Identifiers: Orphanet 394, MedGen C0751202, MONDO:0009352, OMIM 236200.
HYPERHOMOCYSTEINEMIA, THROMBOTIC, CBS-RELATED. Identifiers: MedGen C3150344, OMIM 236200.

Allele frequency attached by ClinVar (database versions not stated): ExAC 0.00008; 1000 Genomes Project 0.00040; gnomAD 0.00006; gnomAD exomes 0.00009; ESP Exome Variant Server 0.00008.

Submissions (6):

Ambry Genetics
Classification: Uncertain significance for Familial thoracic aortic aneurysm and aortic dissection. Last evaluated: 2025-12-19. Review status: criteria provided, single submitter. Criteria: Ambry Variant Classification Scheme 2023. Collection method: clinical testing. Allele origin: germline.
Comment: The p.G471R variant (also known as c.1411G>A), located in coding exon 13 of the CBS gene, results from a G to A substitution at nucleotide position 1411. The glycine at codon 471 is replaced by arginine, an amino acid with dissimilar properties. This amino acid position is highly conserved in available vertebrate species. In addition, this alteration is predicted to be deleterious by in silico analysis. Based on the available evidence, the clinical significance of this variant remains unclear.

GeneDx
Classification: Uncertain significance. Last evaluated: 2025-11-03. Review status: criteria provided, single submitter. Criteria: GeneDx Variant Classification Process June 2021. Collection method: clinical testing. Allele origin: germline. Affected: yes.
Comment: In silico analysis supports that this missense variant has a deleterious effect on protein structure/function; Has not been previously published as pathogenic or benign to our knowledge

Women's Health and Genetics/Laboratory Corporation of America, LabCorp
Classification: Uncertain significance. Last evaluated: 2024-01-30. Review status: criteria provided, single submitter. Criteria: LabCorp Variant Classification Summary - May 2015. Collection method: clinical testing. Allele origin: germline.
Comment: Variant summary: CBS c.1411G>A (p.Gly471Arg) results in a non-conservative amino acid change located in the CBS domain (IPR000644) of the encoded protein sequence. Three of five in-silico tools predict a damaging effect of the variant on protein function. The variant allele was found at a frequency of 8.8e-05 in 251400 control chromosomes. This frequency is not significantly higher than estimated for a pathogenic variant in CBS causing Homocystinuria (8.8e-05 vs 0.003), allowing no conclusion about variant significance. To our knowledge, no occurrence of c.1411G>A in individuals affected with Homocystinuria and no experimental evidence demonstrating its impact on protein function have been reported. ClinVar contains an entry for this variant (Variation ID: 212882). Based on the evidence outlined above, the variant was classified as uncertain significance.

Labcorp Genetics (formerly Invitae), Labcorp
Classification: Uncertain significance for HYPERHOMOCYSTEINEMIA, THROMBOTIC, CBS-RELATED. Last evaluated: 2022-08-24. Review status: criteria provided, single submitter. Criteria: Invitae Variant Classification Sherloc (09022015). Collection method: clinical testing. Allele origin: germline.
Comment: This sequence change replaces glycine, which is neutral and non-polar, with arginine, which is basic and polar, at codon 471 of the CBS protein (p.Gly471Arg). This variant is present in population databases (rs201098477, gnomAD 0.04%). This variant has not been reported in the literature in individuals affected with CBS-related conditions. ClinVar contains an entry for this variant (Variation ID: 212882). Algorithms developed to predict the effect of missense changes on protein structure and function (SIFT, PolyPhen-2, Align-GVGD) all suggest that this variant is likely to be tolerated. Algorithms developed to predict the effect of sequence changes on RNA splicing suggest that this variant may create or strengthen a splice site. In summary, the available evidence is currently insufficient to determine the role of this variant in disease. Therefore, it has been classified as a Variant of Uncertain Significance.

Fulgent Genetics
Classification: Uncertain significance for Classic homocystinuria. Last evaluated: 2018-10-31. Review status: criteria provided, single submitter. Criteria: ACMG Guidelines, 2015. Collection method: clinical testing. Allele origin: unknown.

Natera, Inc.
Classification: Uncertain significance for Homocystinuria due to cystathionine beta-synthase deficiency. Last evaluated: 2020-01-05. Review status: no assertion criteria provided. Collection method: clinical testing. Allele origin: germline. Not counted in ClinVar's aggregate classification.

NM_000071.3(CBS):c.1411G>A (p.Gly471Arg)

Gene: CBS (cystathionine beta-synthase; minus strand). Cytogenetic location: 21q22.3.
Variant type: single nucleotide variant.
Coding change: c.1411G>A on transcript NM_000071.3 (MANE Select); coding-DNA position 1411, G replaced by A.
Protein change: p.Gly471Arg; replaces glycine 471 with arginine.
Molecular consequence: missense variant.
Genome position (GRCh38, 1-based): chr21:43,058,201, C>T on the plus strand (G>A on the coding strand, the complement: CBS is on the minus strand). VCF-style: chr21-43058201-C-T. GRCh37 (hg19) VCF-style: chr21-44478311-C-T.
Other names: p.G471R:GGG>AGG; c.1411G>A, p.Gly471Arg (NM_001178008.3, NM_001178009.3, NM_001320298.2); c.1096G>A, p.Gly366Arg (NM_001321072.1); short protein forms G471R, G366R.
Identifiers: ClinVar variation 212882 (VCV000212882.10), dbSNP rs201098477, ClinGen allele CA324881.